The following is an entry in ClinVar:

NM_032444.4(SLX4):c.5055_5058dup (p.Pro1687fs)

Gene: SLX4 (SLX4 structure-specific endonuclease subunit; minus strand). Cytogenetic location: 16p13.3.
Variant type: Duplication.
Coding change: c.5055_5058dup on transcript NM_032444.4 (MANE Select); coding-DNA positions 5055 to 5058, 4 bases duplicated (GGCA; older notation c.5055_5058dupGGCA).
Protein change: p.Pro1687fs; shifts the reading frame from proline 1687.
Molecular consequence: frameshift variant.
Genome position (GRCh38, 1-based): chr16:3,583,192-3,583,195, TGCC duplicated on the plus strand (GGCA on the coding strand, the reverse complement: SLX4 is on the minus strand); duplicating any 4 consecutive bases within chr16:3,583,192-3,583,196 gives the same sequence; the c. name uses the placement nearest the transcript's 3' end. VCF-style (leftmost placement, unchanged base first): chr16-3583191-G-GTGCC. GRCh37 (hg19) VCF-style: chr16-3633192-G-GTGCC.
Other names: short protein forms P1687fs.
Identifiers: ClinVar variation 1453866 (VCV001453866.6), dbSNP rs2151116570, ClinGen allele CA2573152039.

ClinVar aggregate classification (germline): Pathogenic (1 of 4 stars; one submission).

Conditions:
Fanconi anemia (FA). Also called: Fanconi's anemia. Identifiers: Orphanet 84, MedGen C0015625, MeSH D005199, MONDO:0019391.

Submission:

Labcorp Genetics (formerly Invitae), Labcorp
Classification: Pathogenic for Fanconi anemia. Last evaluated: 2021-05-25. Review status: criteria provided, single submitter. Criteria: Invitae Variant Classification Sherloc (09022015). Collection method: clinical testing. Allele origin: germline.
Comment: For these reasons, this variant has been classified as Pathogenic. This variant has not been reported in the literature in individuals with SLX4-related conditions. This variant is not present in population databases (ExAC no frequency). This sequence change creates a premature translational stop signal (p.Pro1687Glyfs*7) in the SLX4 gene. It is expected to result in an absent or disrupted protein product. Loss-of-function variants in SLX4 are known to be pathogenic (PMID: 21240277).

Literature cited by the submitters: PubMed 21240277.